The following is an entry in ClinVar:

NM_000718.4(CACNA1B):c.4106T>C (p.Met1369Thr)

Gene: CACNA1B (calcium voltage-gated channel subunit alpha1 B; plus strand). Cytogenetic location: 9q34.3.
Variant type: single nucleotide variant.
Coding change: c.4106T>C on transcript NM_000718.4 (MANE Select); coding-DNA position 4106, T replaced by C.
Protein change: p.Met1369Thr; replaces methionine 1369 with threonine.
Molecular consequence: missense variant.
Genome position (GRCh38, 1-based): chr9:138,057,869, T>C. VCF-style: chr9-138057869-T-C. GRCh37 (hg19) VCF-style: chr9-140952321-T-C.
Other names: c.4106T>C, p.Met1369Thr (NM_001243812.2); short protein forms M1369T.
Identifiers: ClinVar variation 3899728 (VCV003899728.1).

ClinVar aggregate classification (germline): Uncertain significance (1 of 4 stars; one submission).

Submission:

GeneDx
Classification: Uncertain significance. Last evaluated: 2024-11-18. Review status: criteria provided, single submitter. Criteria: GeneDx Variant Classification Process June 2021. Collection method: clinical testing. Allele origin: germline. Affected: yes.
Comment: Not observed at significant frequency in large population cohorts (gnomAD); In silico analysis indicates that this missense variant does not alter protein structure/function; Has not been previously published as pathogenic or benign to our knowledge